The following is an entry in ClinVar:

ClinVar aggregate classification (germline): Likely benign. Review status: criteria provided, multiple submitters, no conflicts (2 of 4 stars). 2 submissions from 2 submitters: Likely benign (2). Last evaluated 2026-03-04.

Conditions:
SBF2-related disorder. Also called: SBF2-related condition.
Charcot-Marie-Tooth disease type 4. Also called: Charcot-Marie-Tooth, Type 4; Charcot-Marie-Tooth disease, type IV. Identifiers: Orphanet 64749, MedGen C4082197, MONDO:0018995.

Allele frequency attached by ClinVar (database versions not stated): gnomAD 0.00001; gnomAD exomes 0.00001; TOPMed 0.00001.
gnomAD v4.1: 10 of 1,614,012 alleles (0.00062%); highest among the groups gnomAD compares: Non-Finnish European, 0.00085%; no homozygotes.

Submissions (2):

PreventionGenetics, part of Exact Sciences
Classification: Likely benign for SBF2-related condition. Last evaluated: 2026-03-04. Review status: criteria provided, single submitter. Criteria: ACMG Guidelines, 2015. Collection method: clinical testing. Allele origin: germline.
Comment: This variant is classified as likely benign based on ACMG/AMP sequence variant interpretation guidelines (Richards et al. 2015 PMID: 25741868, with internal and published modifications).

Labcorp Genetics (formerly Invitae), Labcorp
Classification: Likely benign for Charcot-Marie-Tooth disease type 4. Last evaluated: 2025-01-27. Review status: criteria provided, single submitter. Criteria: Invitae Variant Classification Sherloc (09022015). Collection method: clinical testing. Allele origin: germline.

NM_030962.4(SBF2):c.3189G>A (p.Lys1063=)

Genes: SBF2 (SET binding factor 2; minus strand), LOC101928008 (uncharacterized LOC101928008; plus strand). Cytogenetic location: 11p15.4.
Variant type: single nucleotide variant.
Coding change: c.3189G>A on transcript NM_030962.4 (MANE Select); coding-DNA position 3189, G replaced by A.
Protein change: p.Lys1063=; no amino-acid change (lysine 1063 retained).
Molecular consequence: synonymous variant.
Genome position (GRCh38, 1-based): chr11:9,842,692, C>T on the plus strand (G>A on the coding strand, the complement: SBF2 is on the minus strand). VCF-style: chr11-9842692-C-T. GRCh37 (hg19) VCF-style: chr11-9864239-C-T.
Other names: c.3189G>A (NM_030962.3); c.3189G>A, p.Lys1063= (NM_001386339.1); c.3060G>A, p.Lys1020= (NM_001386342.1).
Identifiers: ClinVar variation 1148464 (VCV001148464.10), dbSNP rs889481914, ClinGen allele CA217617951.